The following is an entry in ClinVar:

NM_001378615.1(CC2D2A):c.1906del (p.Glu636fs)

Genes: CC2D2A (coiled-coil and C2 domain containing 2A; plus strand), FBXL5 (F-box and leucine rich repeat protein 5; minus strand). Cytogenetic location: 4p15.32.
Variant type: Deletion.
Coding change: c.1906del on transcript NM_001378615.1 (MANE Select); coding-DNA position 1906, one base deleted (G; older notation c.1906delG).
Protein change: p.Glu636fs; shifts the reading frame from glutamic acid 636.
Molecular consequence: frameshift variant.
Genome position (GRCh38, 1-based): chr4:15,538,040, G deleted; the last of 3 consecutive G bases (chr4:15,538,038-15,538,040); deleting any one gives the same sequence. VCF-style (leftmost placement, unchanged base first): chr4-15538037-AG-A. GRCh37 (hg19) VCF-style: chr4-15539660-AG-A.
Other names: c.1906del, p.Glu636fs (NM_001080522.2); c.1759del, p.Glu587fs (NM_001378617.1); short protein forms E587fs, E636fs.
Identifiers: ClinVar variation 5013269 (VCV005013269.1).

ClinVar aggregate classification (germline): Pathogenic (1 of 4 stars; one submission).

Conditions:
Joubert syndrome and related disorders. Identifiers: Orphanet 140874, MedGen C5679612, MONDO:0015369.

Submission:

Myriad Genetics, Inc.
Classification: Pathogenic for Joubert syndrome and related disorders. Last evaluated: 2024-07-02. Review status: criteria provided, single submitter. Criteria: Myriad Autosomal Dominant, Autosomal Recessive and X-Linked Classification Criteria (2023). Collection method: clinical testing. Allele origin: unknown.
Comment: NM_001080522.2(CC2D2A):c.1906delG(E636Rfs*19) is expected to be pathogenic in the context of CC2D2A-related disorders. This variant is predicted to lead to an abnormal or absent protein product due to the creation of a premature termination codon in CC2D2A, a gene where loss-of-function variants are known to be pathogenic. Please note: this variant was assessed in the context of healthy population screening.